The following is an entry in ClinVar:

NM_016333.4(SRRM2):c.*91C>T

Gene: SRRM2 (serine/arginine repetitive matrix 2; plus strand). Cytogenetic location: 16p13.3.
Variant type: single nucleotide variant.
Coding change: c.*91C>T on transcript NM_016333.4 (MANE Select); 91 bases downstream of the stop codon, C replaced by T.
Molecular consequence: 3 prime UTR variant.
Genome position (GRCh38, 1-based): chr16:2,770,958, C>T. VCF-style: chr16-2770958-C-T. GRCh37 (hg19) VCF-style: chr16-2820959-C-T.
Identifiers: ClinVar variation 3339418 (VCV003339418.1).

ClinVar aggregate classification (germline): Uncertain significance (1 of 4 stars; one submission).

Submission:

Women's Health and Genetics/Laboratory Corporation of America, LabCorp
Classification: Uncertain significance. Last evaluated: 2024-07-22. Review status: criteria provided, single submitter. Criteria: LabCorp Variant Classification Summary - May 2015. Collection method: clinical testing. Allele origin: germline.
Comment: Variant summary: SRRM2 c.*91C>T is located in the untranslated mRNA region downstream of the termination codon. The variant allele was found at a frequency of 1.9e-05 in 215230 control chromosomes, predominantly at a frequency of 0.00013 within the Latino subpopulation in the gnomAD database. The available data on variant occurrences in the general population are insufficient to allow any conclusion about variant significance. To our knowledge, no occurrence of c.*91C>T in individuals affected with Intellectual Developmental Disorder, Autosomal Dominant 72 and no experimental evidence demonstrating its impact on protein function have been reported. No submitters have cited clinical-significance assessments for this variant to ClinVar. Based on the evidence outlined above, the variant was classified as uncertain significance.